The following is an entry in ClinVar:

NM_005932.4(MIPEP):c.1012A>G (p.Met338Val)

Gene: MIPEP (mitochondrial intermediate peptidase; minus strand). Cytogenetic location: 13q12.12.
Variant type: single nucleotide variant.
Coding change: c.1012A>G on transcript NM_005932.4 (MANE Select); coding-DNA position 1012, A replaced by G.
Protein change: p.Met338Val; replaces methionine 338 with valine.
Molecular consequence: missense variant.
Genome position (GRCh38, 1-based): chr13:23,862,343, T>C on the plus strand (A>G on the coding strand, the complement: MIPEP is on the minus strand). VCF-style: chr13-23862343-T-C. GRCh37 (hg19) VCF-style: chr13-24436482-T-C.
Other names: short protein forms M338V.
Identifiers: ClinVar variation 2973947 (VCV002973947.3), dbSNP rs1263712285, ClinGen allele CA387526153.

ClinVar aggregate classification (germline): Uncertain significance (1 of 4 stars; one submission).

Allele frequency attached by ClinVar (database versions not stated): gnomAD exomes below 0.00001; gnomAD 0.00001.
gnomAD v4.1: 6 of 1,583,564 alleles (0.00038%); highest among the groups gnomAD compares: Non-Finnish European, 0.00052%; no homozygotes.

Submission:

Labcorp Genetics (formerly Invitae), Labcorp
Classification: Uncertain significance. Last evaluated: 2024-01-11. Review status: criteria provided, single submitter. Criteria: Invitae Variant Classification Sherloc (09022015). Collection method: clinical testing. Allele origin: germline.
Comment: This sequence change replaces methionine, which is neutral and non-polar, with valine, which is neutral and non-polar, at codon 338 of the MIPEP protein (p.Met338Val). The frequency data for this variant in the population databases is considered unreliable, as metrics indicate poor data quality at this position in the gnomAD database. This variant has not been reported in the literature in individuals affected with MIPEP-related conditions. Advanced modeling of protein sequence and biophysical properties (such as structural, functional, and spatial information, amino acid conservation, physicochemical variation, residue mobility, and thermodynamic stability) performed at Invitae indicates that this missense variant is not expected to disrupt MIPEP protein function with a negative predictive value of 80%. In summary, the available evidence is currently insufficient to determine the role of this variant in disease. Therefore, it has been classified as a Variant of Uncertain Significance.